The following is an entry in ClinVar:

ClinVar aggregate classification (germline): Uncertain significance (1 of 4 stars; one submission).

Allele frequency attached by ClinVar (database versions not stated): gnomAD exomes below 0.00001; TOPMed below 0.00001.
gnomAD v4.1: 3 of 1,614,200 alleles (0.00019%); highest among the groups gnomAD compares: African/African-American, 0.0027%; no homozygotes.

Submission:

CeGaT Center for Human Genetics Tuebingen
Classification: Uncertain significance. Last evaluated: 2023-12-01. Review status: criteria provided, single submitter. Criteria: CeGaT Center For Human Genetics Tuebingen Variant Classification Criteria Version 2. Collection method: clinical testing. Allele origin: germline. Affected: yes. Observed: 1 variant allele.
Comment: EP300: PM2

NM_001429.4(EP300):c.580G>A (p.Gly194Ser)

Gene: EP300 (EP300 lysine acetyltransferase; plus strand). Cytogenetic location: 22q13.2.
Variant type: single nucleotide variant.
Coding change: c.580G>A on transcript NM_001429.4 (MANE Select); coding-DNA position 580, G replaced by A.
Protein change: p.Gly194Ser; replaces glycine 194 with serine.
Molecular consequence: missense variant.
Genome position (GRCh38, 1-based): chr22:41,117,672, G>A. VCF-style: chr22-41117672-G-A. GRCh37 (hg19) VCF-style: chr22-41513676-G-A.
Other names: c.580G>A, p.Gly194Ser (NM_001362843.2); short protein forms G194S.
Identifiers: ClinVar variation 3026694 (VCV003026694.22), dbSNP rs996577997, ClinGen allele CA324512388.
Genomic context (GRCh38, chr22:41,117,672, plus strand): 5'-AATCCTGGAATGTTGGCTGCAGGCAATGGACAAGGGATAATGCCTAATCAAGTCATGAAC[G>A]GTTCAATTGGAGCAGGCCGAGGGCGACAGAATATGCAGTACCCAAACCCAGGCATGGGAA-3'
Protein context (NP_001420.2, residues 184-204): QGIMPNQVMN[Gly194Ser]SIGAGRGRQN